The following is an entry in ClinVar:

ClinVar aggregate classification (germline): Likely benign. Review status: criteria provided, multiple submitters, no conflicts (2 of 4 stars). 2 submissions from 2 submitters: Likely benign (2). Last evaluated 2026-08-04.

Conditions:
SNRNP200-related disorder. Also called: SNRNP200-related condition.

Allele frequency attached by ClinVar (database versions not stated): gnomAD 0.00001; ExAC 0.00003; gnomAD exomes 0.00003 and 0.00006; TOPMed 0.00003.
gnomAD v4.1: 19 of 1,614,024 alleles (0.0012%); highest among the groups gnomAD compares: Admixed American, 0.03%; no homozygotes.

Submissions (2):

PreventionGenetics, part of Exact Sciences
Classification: Likely benign for SNRNP200-related condition. Last evaluated: 2026-08-04. Review status: criteria provided, single submitter. Criteria: ACMG Guidelines, 2015. Collection method: clinical testing. Allele origin: germline.
Comment: This variant is classified as likely benign based on ACMG/AMP sequence variant interpretation guidelines (Richards et al. 2015 PMID: 25741868, with internal and published modifications).

Labcorp Genetics (formerly Invitae), Labcorp
Classification: Likely benign. Last evaluated: 2022-11-15. Review status: criteria provided, single submitter. Criteria: Invitae Variant Classification Sherloc (09022015). Collection method: clinical testing. Allele origin: germline.

NM_014014.5(SNRNP200):c.4725C>T (p.Asp1575=)

Gene: SNRNP200 (small nuclear ribonucleoprotein U5 subunit 200; minus strand). Cytogenetic location: 2q11.2.
Variant type: single nucleotide variant.
Coding change: c.4725C>T on transcript NM_014014.5 (MANE Select); coding-DNA position 4725, C replaced by T.
Protein change: p.Asp1575=; no amino-acid change (aspartic acid 1575 retained).
Molecular consequence: synonymous variant.
Genome position (GRCh38, 1-based): chr2:96,283,573, G>A on the plus strand (C>T on the coding strand, the complement: SNRNP200 is on the minus strand). VCF-style: chr2-96283573-G-A. GRCh37 (hg19) VCF-style: chr2-96949311-G-A.
Other names: c.4725C>T (NM_014014.4).
Identifiers: ClinVar variation 1126811 (VCV001126811.10), dbSNP rs753076327, ClinGen allele CA1778154.